The following is an entry in ClinVar:

NM_000089.4(COL1A2):c.1252-29C>G

Gene: COL1A2 (collagen type I alpha 2 chain; plus strand). Cytogenetic location: 7q21.3.
Variant type: single nucleotide variant.
Coding change: c.1252-29C>G on transcript NM_000089.4 (MANE Select); 29 bases into the intron before coding-DNA position 1252, C replaced by G.
Molecular consequence: intron variant.
Genome position (GRCh38, 1-based): chr7:94,411,027, C>G. VCF-style: chr7-94411027-C-G. GRCh37 (hg19) VCF-style: chr7-94040339-C-G.
Identifiers: ClinVar variation 3050714 (VCV003050714.2), dbSNP rs369038827, ClinGen allele CA4346976.

ClinVar aggregate classification (germline): Likely benign (0 of 4 stars; one submission).

Conditions:
COL1A2-related disorder. Also called: COL1A2-Related Disorders; COL1A2-related condition.

Allele frequency attached by ClinVar (database versions not stated): ExAC 0.00019; 1000 Genomes Project 0.00020; gnomAD 0.00031; TOPMed 0.00037; ESP Exome Variant Server 0.00062.

Submission:

PreventionGenetics, part of Exact Sciences
Classification: Likely benign for COL1A2-related condition. Last evaluated: 2021-10-26. Review status: no assertion criteria provided. Collection method: clinical testing. Allele origin: germline.
Comment: This variant is classified as likely benign based on ACMG/AMP sequence variant interpretation guidelines (Richards et al. 2015 PMID: 25741868, with internal and published modifications).